The following is an entry in ClinVar:

NM_201384.3(PLEC):c.9558A>G (p.Thr3186=)

Gene: PLEC (plectin; minus strand). Cytogenetic location: 8q24.3.
Variant type: single nucleotide variant.
Coding change: c.9558A>G on transcript NM_201384.3 (MANE Select); coding-DNA position 9558, A replaced by G.
Protein change: p.Thr3186=; no amino-acid change (threonine 3186 retained).
Molecular consequence: synonymous variant.
Genome position (GRCh38, 1-based): chr8:143,920,263, T>C on the plus strand (A>G on the coding strand, the complement: PLEC is on the minus strand). VCF-style: chr8-143920263-T-C. GRCh37 (hg19) VCF-style: chr8-144994431-T-C.
Other names: c.9639A>G, p.Thr3213= (NM_000445.5); c.9516A>G, p.Thr3172= (NM_201378.4); c.9492A>G, p.Thr3164= (NM_201379.3); c.9969A>G, p.Thr3323= (NM_201380.4); c.9462A>G, p.Thr3154= (NM_201381.3); c.9558A>G, p.Thr3186= (NM_201382.4); c.9570A>G, p.Thr3190= (NM_201383.3).
Identifiers: ClinVar variation 282011 (VCV000282011.20), dbSNP rs201102719, ClinGen allele CA4924931.

ClinVar aggregate classification (germline): Conflicting classifications of pathogenicity. Review status: criteria provided, conflicting classifications (1 of 4 stars). 5 submissions from 5 submitters: Uncertain significance (1); Benign (1); Likely benign (2). 1 of the submissions does not count toward it. Last evaluated 2026-01-20.

Conditions:
PLEC-related disorder. Also called: PLEC-related condition; PLEC-related disorders.
Epidermolysis bullosa simplex 5B, with muscular dystrophy (EBS5B). Also called: EPIDERMOLYSIS BULLOSA SIMPLEX AND LIMB-GIRDLE MUSCULAR DYSTROPHY; Epidermolysis bullosa simplex with muscular dystrophy. Identifiers: Orphanet 257, MedGen C2931072, MONDO:0009181, OMIM 226670.
Epidermolysis bullosa simplex with nail dystrophy (EBS5D). Identifiers: MedGen C4225309, MONDO:0014661, OMIM 616487.
Autosomal recessive limb-girdle muscular dystrophy type 2Q (LGMDR17). Also called: MUSCULAR DYSTROPHY, LIMB-GIRDLE, AUTOSOMAL RECESSIVE 17. Identifiers: Orphanet 254361, MedGen C3150989, MONDO:0013390, OMIM 613723.
Epidermolysis bullosa simplex 5C, with pyloric atresia (EBS5C). Also called: PLEC1-Related Epidermolysis Bullosa with Pyloric Atresia; PLEC-Related Epidermolysis Bullosa with Pyloric Atresia; Epidermolysis bullosa simplex with pyloric atresia. Identifiers: Orphanet 158684, MedGen C2677349, MONDO:0012807, OMIM 612138.
Epidermolysis bullosa simplex, Ogna type (EBS5A). Also called: Pidermolysis bullosa simplex 5A, Ogna type; EPIDERMOLYSIS BULLOSA SIMPLEX 5A, OGNA TYPE. Identifiers: Orphanet 79401, MedGen C0432317, MONDO:0007555, OMIM 131950.

Allele frequency attached by ClinVar (database versions not stated): 1000 Genomes Project 0.00060; 1000 Genomes Project 30x 0.00078; ESP Exome Variant Server 0.00108; gnomAD 0.00145 and 0.00161; TOPMed 0.00181.
gnomAD v4.1: 466 of 1,597,150 alleles (0.029%); highest among the groups gnomAD compares: African/African-American, 0.5%; 1 homozygote.

Submissions (5):

Labcorp Genetics (formerly Invitae), Labcorp
Classification: Benign for Autosomal recessive limb-girdle muscular dystrophy type 2Q; Epidermolysis bullosa simplex, Ogna type; Epidermolysis bullosa simplex with nail dystrophy; Epidermolysis bullosa simplex 5C, with pyloric atresia; Epidermolysis bullosa simplex 5B, with muscular dystrophy. Last evaluated: 2026-01-20. Review status: criteria provided, single submitter. Criteria: Invitae Variant Classification Sherloc (09022015). Collection method: clinical testing. Allele origin: germline.

Women's Health and Genetics/Laboratory Corporation of America, LabCorp
Classification: Likely benign. Last evaluated: 2025-07-21. Review status: criteria provided, single submitter. Criteria: LabCorp Variant Classification Summary - May 2015. Collection method: clinical testing. Allele origin: germline.

GeneDx
Classification: Likely benign. Last evaluated: 2018-05-29. Review status: criteria provided, single submitter. Criteria: GeneDx Variant Classification (06012015). Collection method: clinical testing. Allele origin: germline. Affected: yes.
Comment: This variant is considered likely benign or benign based on one or more of the following criteria: it is a conservative change, it occurs at a poorly conserved position in the protein, it is predicted to be benign by multiple in silico algorithms, and/or has population frequency not consistent with disease.

Eurofins Ntd Llc (ga)
Classification: Uncertain significance. Last evaluated: 2015-07-15. Review status: criteria provided, single submitter. Criteria: EGL Classification Definitions 2015. Collection method: clinical testing. Allele origin: germline. Observed: 2 variant alleles, 2 heterozygotes.

PreventionGenetics, part of Exact Sciences
Classification: Likely benign for PLEC-related condition. Last evaluated: 2024-05-28. Review status: no assertion criteria provided. Collection method: clinical testing. Allele origin: germline. Not counted in ClinVar's aggregate classification.
Comment: This variant is classified as likely benign based on ACMG/AMP sequence variant interpretation guidelines (Richards et al. 2015 PMID: 25741868, with internal and published modifications).